The following is an entry in ClinVar:

NM_002519.3(NPAT):c.1045A>C (p.Ser349Arg)

Gene: NPAT (nuclear protein, coactivator of histone transcription; minus strand). Cytogenetic location: 11q22.3.
Variant type: single nucleotide variant.
Coding change: c.1045A>C on transcript NM_002519.3 (MANE Select); coding-DNA position 1045, A replaced by C.
Protein change: p.Ser349Arg; replaces serine 349 with arginine.
Molecular consequence: missense variant.
Genome position (GRCh38, 1-based): chr11:108,176,333, T>G on the plus strand (A>C on the coding strand, the complement: NPAT is on the minus strand). VCF-style: chr11-108176333-T-G. GRCh37 (hg19) VCF-style: chr11-108047060-T-G.
Other names: c.1045A>C, p.Ser349Arg (NM_001321307.1); short protein forms S349R.
Identifiers: ClinVar variation 2453777 (VCV002453777.2), dbSNP rs1159506131, ClinGen allele CA382516947.

ClinVar aggregate classification (germline): Uncertain significance (1 of 4 stars; one submission).

Submission:

Ambry Genetics
Classification: Uncertain significance. Last evaluated: 2023-01-17. Review status: criteria provided, single submitter. Criteria: Ambry Variant Classification Scheme 2023. Collection method: clinical testing. Allele origin: germline.
Comment: The p.S349R variant (also known as c.1045A>C), located in coding exon 12 of the NPAT gene, results from an A to C substitution at nucleotide position 1045. The serine at codon 349 is replaced by arginine, an amino acid with dissimilar properties. This amino acid position is conserved. In addition, this alteration is predicted to be tolerated by in silico analysis. Since supporting evidence is limited at this time, the clinical significance of this alteration remains unclear.